The following is an entry in ClinVar:

NM_001005242.3(PKP2):c.924_925insAC (p.Ala309fs)

Gene: PKP2 (plakophilin 2; minus strand). Cytogenetic location: 12p11.21.
Variant type: Insertion.
Coding change: c.924_925insAC on transcript NM_001005242.3 (MANE Select); coding-DNA positions 924 to 925, AC inserted.
Protein change: p.Ala309fs; shifts the reading frame from alanine 309.
Molecular consequence: frameshift variant.
Genome position: GRCh38 VCF-style: chr12-32877955-C-CGT. GRCh37 (hg19) VCF-style: chr12-33030889-C-CGT.
Other names: c.924_925insAC, p.Ala309fs (NM_001407155.1, NM_001407156.1, NM_001407157.1 and 2 more transcripts); c.597_598insAC, p.Ala200fs (NM_001407158.1, NM_001407159.1, NM_001407160.1 and 1 more transcripts); short protein forms A200fs, A309fs.
Identifiers: ClinVar variation 4277243 (VCV004277243.1).
Genomic context (GRCh38, chr12:32,877,955, plus strand): 5'-TTCCCCCTGCGGCCGCCTGGCCGACAGTCAAGTGCGCTCTCCTCCCGCTGGAATCCACGG[C>CGT]GACACTGGGCCCAGCTTCCCTCAGCGTGCGGGTGCTGTGGAAGGAGCTCTGATGCCAGGA-3'

ClinVar aggregate classification (germline): Likely pathogenic (1 of 4 stars; one submission).

Conditions:
Arrhythmogenic right ventricular dysplasia 9 (ARVD9). Also called: Arrhythmogenic Right Ventricular Dysplasia/Cardiomyopathy 9; ARRHYTHMOGENIC RIGHT VENTRICULAR DYSPLASIA, FAMILIAL, 9. Identifiers: MedGen C1836906, MONDO:0012180, OMIM 609040.

Submission:

Institute of Human Genetics, Heidelberg University
Classification: Likely pathogenic for Arrhythmogenic right ventricular dysplasia 9. Last evaluated: 2025-03-20. Review status: criteria provided, single submitter. Criteria: ACMG Guidelines, 2015. Collection method: clinical testing. Allele origin: maternal. Affected: yes. Observed: 2 variant alleles.
Comment: PVS1,PM2_supp